The following is an entry in ClinVar:

ClinVar aggregate classification (germline): Conflicting classifications of pathogenicity. Review status: criteria provided, conflicting classifications (1 of 4 stars). 3 submissions from 3 submitters: Uncertain significance (2); Likely benign (1). Last evaluated 2025-09-16.

Conditions:
Hereditary cancer-predisposing syndrome. Also called: Tumor predisposition; Neoplastic Syndromes, Hereditary; Hereditary Cancer Syndrome; Hereditary neoplastic syndrome. Identifiers: Orphanet 140162, MedGen C0027672, MeSH D009386, MONDO:0015356.
POLD1-related polyposis and colorectal cancer syndrome (CRCS10). Also called: Colorectal cancer 10; COLORECTAL CANCER, SUSCEPTIBILITY TO, ON CHROMOSOME 19q; Colorectal cancer, susceptibility to, 10. Identifiers: Orphanet 220460, MedGen C2675481, MONDO:0012953, OMIM 612591.

Allele frequency attached by ClinVar (database versions not stated): TOPMed below 0.00001; gnomAD 0.00001; gnomAD exomes 0.00001.
gnomAD v4.1: 5 of 1,612,248 alleles (0.00031%); highest among the groups gnomAD compares: Non-Finnish European, 0.00042%; no homozygotes.

Submissions (3):

Labcorp Genetics (formerly Invitae), Labcorp
Classification: Uncertain significance for POLD1-related polyposis and colorectal cancer syndrome. Last evaluated: 2025-09-16. Review status: criteria provided, single submitter. Criteria: Invitae Variant Classification Sherloc (09022015). Collection method: clinical testing. Allele origin: germline.
Comment: This sequence change replaces aspartic acid, which is acidic and polar, with asparagine, which is neutral and polar, at codon 780 of the POLD1 protein (p.Asp780Asn). This variant is present in population databases (no rsID available, gnomAD 0.002%). This variant has not been reported in the literature in individuals affected with POLD1-related conditions. ClinVar contains an entry for this variant (Variation ID: 537032). Invitae Evidence Modeling of protein sequence and biophysical properties (such as structural, functional, and spatial information, amino acid conservation, physicochemical variation, residue mobility, and thermodynamic stability) indicates that this missense variant is not expected to disrupt POLD1 protein function with a negative predictive value of 80%. In summary, the available evidence is currently insufficient to determine the role of this variant in disease. Therefore, it has been classified as a Variant of Uncertain Significance.

Ambry Genetics
Classification: Likely benign for Hereditary cancer-predisposing syndrome. Last evaluated: 2024-03-28. Review status: criteria provided, single submitter. Criteria: Ambry Variant Classification Scheme 2023. Collection method: clinical testing. Allele origin: germline.

GeneDx
Classification: Uncertain significance. Last evaluated: 2021-11-01. Review status: criteria provided, single submitter. Criteria: GeneDx Variant Classification Process June 2021. Collection method: clinical testing. Allele origin: germline. Affected: yes.
Comment: Not observed at a significant frequency in large population cohorts (Lek 2016); In silico analysis supports that this missense variant does not alter protein structure/function; Has not been previously published as pathogenic or benign to our knowledge

NM_002691.4(POLD1):c.2338G>A (p.Asp780Asn)

Gene: POLD1 (DNA polymerase delta 1, catalytic subunit; plus strand). Cytogenetic location: 19q13.33.
Variant type: single nucleotide variant.
Coding change: c.2338G>A on transcript NM_002691.4 (MANE Select); coding-DNA position 2338, G replaced by A.
Protein change: p.Asp780Asn; replaces aspartic acid 780 with asparagine.
Molecular consequence: missense variant. On other transcripts: non-coding transcript variant (1).
Genome position (GRCh38, 1-based): chr19:50,413,829, G>A. VCF-style: chr19-50413829-G-A. GRCh37 (hg19) VCF-style: chr19-50917086-G-A.
Other names: c.2338G>A, p.Asp780Asn (NM_001256849.1); c.2416G>A, p.Asp806Asn (NM_001308632.1); short protein forms D780N, D806N.
Identifiers: ClinVar variation 537032 (VCV000537032.14), dbSNP rs1064795184, ClinGen allele CA406984229.